The following is an entry in ClinVar:

ClinVar aggregate classification (germline): Uncertain significance (1 of 4 stars; one submission).

Conditions:
Hypertrophic cardiomyopathy. Also called: HYPERTROPHIC MYOCARDIOPATHY. Identifiers: Orphanet 217569, MedGen C0007194, MeSH D002312, MONDO:0005045, HP:0001639.

Submission:

All of Us Research Program, National Institutes of Health
Classification: Uncertain significance for Hypertrophic cardiomyopathy. Last evaluated: 2023-05-16. Review status: criteria provided, single submitter. Criteria: ACMG Guidelines, 2015. Collection method: clinical testing. Allele origin: germline. Inheritance: Autosomal dominant inheritance. Observed: 1 variant allele, 1 heterozygote.
Comment: This variant is located in the TPM1 protein. To our knowledge, functional studies have not been reported for this variant. This variant has not been reported in individuals affected with TPM1-related disorders in the literature. This variant has not been identified in the general population by the Genome Aggregation Database (gnomAD). The available evidence is insufficient to determine the role of this variant in disease conclusively. Therefore, this variant is classified as a Variant of Uncertain Significance.

This study involves interpretation of variants in research participants for the purpose of population health screening. Participant phenotype was not available at the time of variant classification. Additional details can be found in publication PMID: 35346344, PMCID: PMC8962531

NM_001018005.2(TPM1):c.264G>T (p.Leu88=)

Gene: TPM1 (tropomyosin 1; plus strand). Cytogenetic location: 15q22.2.
Variant type: single nucleotide variant.
Coding change: c.264G>T on transcript NM_001018005.2 (MANE Select); coding-DNA position 264, G replaced by T.
Protein change: p.Leu88=; no amino-acid change (leucine 88 retained).
Molecular consequence: synonymous variant. On other transcripts: non-coding transcript variant (17).
Genome position (GRCh38, 1-based): chr15:63,057,008, G>T. VCF-style: chr15-63057008-G-T. GRCh37 (hg19) VCF-style: chr15-63349207-G-T.
Other names: c.264G>T, p.Leu88= (NM_000366.6, NM_001018004.2, NM_001018006.2 and 20 more transcripts); c.156G>T, p.Leu52= (NM_001018008.2, NM_001301289.2, NM_001330344.2 and 9 more transcripts); c.390G>T, p.Leu130= (NM_001365778.1, NM_001407322.1, NM_001407323.1 and 1 more transcripts).
Identifiers: ClinVar variation 3070988 (VCV003070988.1), dbSNP rs779411131, ClinGen allele CA490692886.
Genomic context (GRCh38, chr15:63,057,008, plus strand): 5'-CTCCCCAACTCTGAAATGCTTTTCACTCTCTACCTAGGCTGAAGCCGACGTAGCTTCTCT[G>T]AACAGACGCATCCAGCTGGTTGAGGAAGAGTTGGATCGTGCCCAGGAGCGTCTGGCAACA-3'
Protein context (NP_001018005.1, residues 78-98): ATDAEADVAS[Leu88=]NRRIQLVEEE